The following is an entry in ClinVar:

NM_004174.4(SLC9A3):c.340G>A (p.Val114Ile)

Gene: SLC9A3 (solute carrier family 9 member A3). Cytogenetic location: 5p15.33.
Variant type: single nucleotide variant.
Coding change: c.340G>A on transcript NM_004174.4 (MANE Select); coding-DNA position 340, G replaced by A.
Protein change: p.Val114Ile; replaces valine 114 with isoleucine.
Molecular consequence: missense variant.
Genome position (GRCh38, 1-based): chr5:491,943, C>T on the plus strand (G>A on the coding strand, the complement: SLC9A3 is on the minus strand). VCF-style: chr5-491943-C-T. GRCh37 (hg19) VCF-style: chr5-492058-C-T.
Other names: c.340G>A, p.Val114Ile (NM_001284351.3); c.340G>A (NM_004174.2); short protein forms V114I.
Identifiers: ClinVar variation 1213686 (VCV001213686.7), dbSNP rs200473589, ClinGen allele CA3176360.
Genomic context (GRCh38, chr5:491,943, plus strand): 5'-GGTTGGGCATGAAGTAGCCGGCGTCCAGCACGATGGGGGGCAGCAGGTAGAAGAAGAAGA[C>T]GGTGGGCGTCAGTGTGAAGGACGCGATGTGGTCGGCCGCCCAGACGATGCCGCCCAGCAC-3'
Protein context (NP_004165.2, residues 104-124): HIASFTLTPT[Val114Ile]FFFYLLPPIV

ClinVar aggregate classification (germline): Uncertain significance. Review status: criteria provided, multiple submitters, no conflicts (2 of 4 stars). 3 submissions from 3 submitters: Uncertain significance (3). Last evaluated 2024-07-02.

Conditions:
Congenital secretory sodium diarrhea 8. Identifiers: Orphanet 103908, MedGen C5441928, MONDO:0014808, OMIM 616868.
Inborn genetic diseases. Identifiers: MedGen C0950123, MeSH D030342.

Allele frequency attached by ClinVar (database versions not stated): ExAC 0.00001; gnomAD exomes 0.00001 and 0.00002; gnomAD 0.00003 and 0.00004; TOPMed 0.00003; 1000 Genomes Project 0.00020; 1000 Genomes Project 30x 0.00031.
gnomAD v4.1: 35 of 1,610,628 alleles (0.0022%); highest among the groups gnomAD compares: Middle Eastern, 0.017%; no homozygotes.

Submissions (3):

Ambry Genetics
Classification: Uncertain significance for Inborn genetic diseases. Last evaluated: 2024-07-02. Review status: criteria provided, single submitter. Criteria: Ambry Variant Classification Scheme 2023. Collection method: clinical testing. Allele origin: germline.

Labcorp Genetics (formerly Invitae), Labcorp
Classification: Uncertain significance. Last evaluated: 2023-10-13. Review status: criteria provided, single submitter. Criteria: Invitae Variant Classification Sherloc (09022015). Collection method: clinical testing. Allele origin: germline.
Comment: This sequence change replaces valine, which is neutral and non-polar, with isoleucine, which is neutral and non-polar, at codon 114 of the SLC9A3 protein (p.Val114Ile). The frequency data for this variant in the population databases is considered unreliable, as metrics indicate poor data quality at this position in the gnomAD database. This variant has not been reported in the literature in individuals affected with SLC9A3-related conditions. ClinVar contains an entry for this variant (Variation ID: 1213686). Advanced modeling of protein sequence and biophysical properties (such as structural, functional, and spatial information, amino acid conservation, physicochemical variation, residue mobility, and thermodynamic stability) performed at Invitae indicates that this missense variant is not expected to disrupt SLC9A3 protein function. In summary, the available evidence is currently insufficient to determine the role of this variant in disease. Therefore, it has been classified as a Variant of Uncertain Significance.

New York Genome Center
Classification: Uncertain significance for Congenital secretory sodium diarrhea 8. Last evaluated: 2020-07-17. Review status: criteria provided, single submitter. Criteria: NYGC Assertion Criteria 2020. Collection method: clinical testing. Allele origin: germline. Observed: 1 heterozygote. Study: CSER-NYCKidSeq.